The following is an entry in ClinVar:

NM_006088.6(TUBB4B):c.278-3C>T

Gene: TUBB4B (tubulin beta 4B class IVb; plus strand). Cytogenetic location: 9q34.3.
Variant type: single nucleotide variant.
Coding change: c.278-3C>T on transcript NM_006088.6 (MANE Select); 3 bases into the intron before coding-DNA position 278, C replaced by T.
Molecular consequence: intron variant.
Genome position (GRCh38, 1-based): chr9:137,242,493, C>T. VCF-style: chr9-137242493-C-T. GRCh37 (hg19) VCF-style: chr9-140136945-C-T.
Identifiers: ClinVar variation 2754106 (VCV002754106.4), dbSNP rs776296209, ClinGen allele CA5365317.

ClinVar aggregate classification (germline): Conflicting classifications of pathogenicity. Review status: criteria provided, conflicting classifications (1 of 4 stars). 2 submissions from 2 submitters: Uncertain significance (1); Likely benign (1). Last evaluated 2026-01-05.

Allele frequency attached by ClinVar (database versions not stated): gnomAD exomes 0.00001; ExAC 0.00002; TOPMed 0.00003; gnomAD 0.00006.
gnomAD v4.1: 25 of 1,610,934 alleles (0.0016%); highest among the groups gnomAD compares: Admixed American, 0.013%; 1 homozygote.

Submissions (2):

Labcorp Genetics (formerly Invitae), Labcorp
Classification: Uncertain significance. Last evaluated: 2026-01-05. Review status: criteria provided, single submitter. Criteria: Invitae Variant Classification Sherloc (09022015). Collection method: clinical testing. Allele origin: germline.
Comment: This sequence change falls in intron 3 of the TUBB4B gene. It does not directly change the encoded amino acid sequence of the TUBB4B protein. It affects a nucleotide within the consensus splice site. The frequency data for this variant in the population databases is considered unreliable, as metrics indicate poor data quality at this position in the gnomAD database. This variant has not been reported in the literature in individuals affected with TUBB4B-related conditions. ClinVar contains an entry for this variant (Variation ID: 2754106). Variants that disrupt the consensus splice site are a relatively common cause of aberrant splicing (PMID: 17576681, 9536098). Algorithms developed to predict the effect of sequence changes on RNA splicing suggest that this variant is not likely to affect RNA splicing. In summary, the available evidence is currently insufficient to determine the role of this variant in disease. Therefore, it has been classified as a Variant of Uncertain Significance.

Blueprint Genetics
Classification: Likely benign. Last evaluated: 2024-09-27. Review status: criteria provided, single submitter. Criteria: ACMG Guidelines, 2015. Collection method: clinical testing. Allele origin: germline.

Literature cited by the submitters: PubMed 17576681 (cited by Labcorp Genetics (formerly Invitae), Labcorp); PubMed 9536098 (cited by Labcorp Genetics (formerly Invitae), Labcorp).